The following is an entry in ClinVar:

ClinVar aggregate classification (germline): Uncertain significance. Review status: criteria provided, multiple submitters, no conflicts (2 of 4 stars). 2 submissions from 2 submitters: Uncertain significance (2). Last evaluated 2021-11-29.

gnomAD v4.1: 11 of 1,447,464 alleles (0.00076%); highest among the groups gnomAD compares: African/African-American, 0.0059%; no homozygotes.

Submissions (2):

Labcorp Genetics (formerly Invitae), Labcorp
Classification: Uncertain significance. Last evaluated: 2021-11-29. Review status: criteria provided, single submitter. Criteria: Invitae Variant Classification Sherloc (09022015). Collection method: clinical testing. Allele origin: germline.
Comment: In summary, the available evidence is currently insufficient to determine the role of this variant in disease. Therefore, it has been classified as a Variant of Uncertain Significance. Algorithms developed to predict the effect of sequence changes on RNA splicing suggest that this variant may create or strengthen a splice site. Algorithms developed to predict the effect of missense changes on protein structure and function are either unavailable or do not agree on the potential impact of this missense change (SIFT: "Deleterious"; PolyPhen-2: "Benign"; Align-GVGD: "Class C0"). This variant has not been reported in the literature in individuals affected with P3H2-related conditions. This variant is present in population databases (no rsID available, gnomAD 0.01%). This sequence change replaces threonine, which is neutral and polar, with arginine, which is basic and polar, at codon 82 of the P3H2 protein (p.Thr82Arg).

Blueprint Genetics
Classification: Uncertain significance. Last evaluated: 2021-06-14. Review status: criteria provided, single submitter. Criteria: ACMG Guidelines, 2015. Collection method: clinical testing. Allele origin: germline.

NM_018192.4(P3H2):c.245C>G (p.Thr82Arg)

Gene: P3H2 (prolyl 3-hydroxylase 2; minus strand). Cytogenetic location: 3q28.
Variant type: single nucleotide variant.
Coding change: c.245C>G on transcript NM_018192.4 (MANE Select); coding-DNA position 245, C replaced by G.
Protein change: p.Thr82Arg; replaces threonine 82 with arginine.
Molecular consequence: missense variant. On other transcripts: intron variant (1).
Genome position (GRCh38, 1-based): chr3:190,120,487, G>C on the plus strand (C>G on the coding strand, the complement: P3H2 is on the minus strand). VCF-style: chr3-190120487-G-C. GRCh37 (hg19) VCF-style: chr3-189838276-G-C.
Other names: c.-64+1716C>G (NM_001134418.2); short protein forms T82R.
Identifiers: ClinVar variation 1428052 (VCV001428052.7), dbSNP rs947578248, ClinGen allele CA90197217.